The following is an entry in ClinVar:

ClinVar aggregate classification (germline): Uncertain significance (1 of 4 stars; one submission).

Submission:

Ambry Genetics
Classification: Uncertain significance. Last evaluated: 2024-08-28. Review status: criteria provided, single submitter. Criteria: Ambry Variant Classification Scheme 2023. Collection method: clinical testing. Allele origin: germline.
Comment: The p.I789L variant (also known as c.2365A>C), located in coding exon 15 of the POLQ gene, results from an A to C substitution at nucleotide position 2365. The isoleucine at codon 789 is replaced by leucine, an amino acid with highly similar properties. This amino acid position is conserved. In addition, this alteration is predicted to be tolerated by in silico analysis. Based on the available evidence, the clinical significance of this variant remains unclear.

NM_199420.4(POLQ):c.2365A>C (p.Ile789Leu)

Gene: POLQ (DNA polymerase theta; minus strand). Cytogenetic location: 3q13.33.
Variant type: single nucleotide variant.
Coding change: c.2365A>C on transcript NM_199420.4 (MANE Select); coding-DNA position 2365, A replaced by C.
Protein change: p.Ile789Leu; replaces isoleucine 789 with leucine.
Molecular consequence: missense variant.
Genome position (GRCh38, 1-based): chr3:121,493,635, T>G on the plus strand (A>C on the coding strand, the complement: POLQ is on the minus strand). VCF-style: chr3-121493635-T-G. GRCh37 (hg19) VCF-style: chr3-121212482-T-G.
Other names: short protein forms I789L.
Identifiers: ClinVar variation 3422383 (VCV003422383.1).